The following is an entry in ClinVar:

NM_001298.3(CNGA3):c.1585G>C (p.Val529Leu)

Gene: CNGA3 (cyclic nucleotide gated channel subunit alpha 3; plus strand). Cytogenetic location: 2q11.2.
Variant type: single nucleotide variant.
Coding change: c.1585G>C on transcript NM_001298.3 (MANE Select); coding-DNA position 1585, G replaced by C.
Protein change: p.Val529Leu; replaces valine 529 with leucine.
Molecular consequence: missense variant.
Genome position (GRCh38, 1-based): chr2:98,396,755, G>C. VCF-style: chr2-98396755-G-C. GRCh37 (hg19) VCF-style: chr2-99013218-G-C.
Other names: c.1531G>C, p.Val511Leu (NM_001079878.2); short protein forms V511L, V529L.
Identifiers: ClinVar variation 3768549 (VCV003768549.1).

ClinVar aggregate classification (germline): Uncertain significance (1 of 4 stars; one submission).

gnomAD v4.1: 6 of 1,614,228 alleles (0.00037%); highest among the groups gnomAD compares: Non-Finnish European, 0.00051%; no homozygotes.

Submission:

Women's Health and Genetics/Laboratory Corporation of America, LabCorp
Classification: Uncertain significance. Last evaluated: 2024-12-17. Review status: criteria provided, single submitter. Criteria: LabCorp Variant Classification Summary - May 2015. Collection method: clinical testing. Allele origin: germline.
Comment: Variant summary: CNGA3 c.1585G>C (p.Val529Leu) results in a conservative amino acid change in the encoded protein sequence. Four of five in-silico tools predict a damaging effect of the variant on protein function. The variant was absent in 251096 control chromosomes (gnomAD). c.1585G>C has been reported in the literature in individuals affected with Achromatopsia 2. These data do not allow any conclusion about variant significance. A different variant affecting the same codon has been determined to be pathogenic (c.1585G>A, p.Val529Met), supporting the critical relevance of codon 529 to CNGA3 protein function. To our knowledge, no experimental evidence demonstrating an impact on protein function has been reported. The following publication has been ascertained in the context of this evaluation (PMID: 37558662). No submitters have cited clinical-significance assessments for this variant to ClinVar. Based on the evidence outlined above, the variant was classified as VUS-possibly pathogenic.

Literature cited by the submitters: PubMed 37558662.